The following is an entry in ClinVar:

NM_003482.4(KMT2D):c.12823C>T (p.Gln4275Ter)

Gene: KMT2D (lysine methyltransferase 2D; minus strand). Cytogenetic location: 12q13.12.
Variant type: single nucleotide variant.
Coding change: c.12823C>T on transcript NM_003482.4 (MANE Select); coding-DNA position 12823, C replaced by T.
Protein change: p.Gln4275Ter; replaces glutamine 4275 with a stop codon.
Molecular consequence: nonsense.
Genome position (GRCh38, 1-based): chr12:49,031,882, G>A on the plus strand (C>T on the coding strand, the complement: KMT2D is on the minus strand). VCF-style: chr12-49031882-G-A. GRCh37 (hg19) VCF-style: chr12-49425665-G-A.
Other names: short protein forms Q4275*.
Identifiers: ClinVar variation 4689789 (VCV004689789.2).

ClinVar aggregate classification (germline): Pathogenic. Review status: criteria provided, multiple submitters, no conflicts (2 of 4 stars). 2 submissions from 2 submitters: Pathogenic (2). Last evaluated 2025-07-28.

Conditions:
KMT2D-related disorder. Also called: KMT2D-Related Disorders.

Submissions (2):

GeneDx
Classification: Pathogenic. Last evaluated: 2025-07-28. Review status: criteria provided, single submitter. Criteria: GeneDx Variant Classification Process June 2021. Collection method: clinical testing. Allele origin: germline. Affected: yes.
Comment: Identified in a patient with sensorineural hearing loss, speech delay, oromotor delay, and normal cognition in published literature (PMID: 25755104); Nonsense variant predicted to result in protein truncation or nonsense mediated decay in a gene for which loss of function is a known mechanism of disease; Not observed at significant frequency in large population cohorts (gnomAD); This variant is associated with the following publications: (PMID: 36307859, 25755104)

Blueprint Genetics
Classification: Pathogenic for KMT2D-related disorders. Last evaluated: 2019-04-25. Review status: criteria provided, single submitter. Criteria: ACMG Guidelines, 2015. Collection method: clinical testing. Allele origin: germline. Affected: yes. Observed: 1 variant allele.